The following is an entry in ClinVar:

NM_007059.4(KPTN):c.1035G>A (p.Ser345=)

Gene: KPTN (kaptin, actin binding protein; minus strand). Cytogenetic location: 19q13.32.
Variant type: single nucleotide variant.
Coding change: c.1035G>A on transcript NM_007059.4 (MANE Select); coding-DNA position 1035, G replaced by A.
Protein change: p.Ser345=; no amino-acid change (serine 345 retained).
Molecular consequence: synonymous variant. On other transcripts: non-coding transcript variant (1).
Genome position (GRCh38, 1-based): chr19:47,476,679, C>T on the plus strand (G>A on the coding strand, the complement: KPTN is on the minus strand). VCF-style: chr19-47476679-C-T. GRCh37 (hg19) VCF-style: chr19-47979936-C-T.
Other names: c.867G>A, p.Ser289= (NM_001291296.2).
Identifiers: ClinVar variation 435674 (VCV000435674.35), dbSNP rs201351395, ClinGen allele CA9540232.

ClinVar aggregate classification (germline): Likely benign. Review status: criteria provided, multiple submitters, no conflicts (2 of 4 stars). 4 submissions from 4 submitters: Likely benign (4). Last evaluated 2026-01-01.

Conditions:
Macrocephaly-developmental delay syndrome (MRT41). Also called: INTELLECTUAL DEVELOPMENTAL DISORDER, AUTOSOMAL RECESSIVE 41. Identifiers: Orphanet 397612, MedGen C3810225, MONDO:0014289, OMIM 615637.

Allele frequency attached by ClinVar (database versions not stated): ESP Exome Variant Server 0.00033; 1000 Genomes Project 0.00040; gnomAD 0.00044 and 0.00050; 1000 Genomes Project 30x 0.00047; TOPMed 0.00049; ExAC 0.00052; gnomAD exomes 0.00052.
gnomAD v4.1: 1,144 of 1,612,636 alleles (0.071%); highest among the groups gnomAD compares: Non-Finnish European, 0.089%; 2 homozygotes.

Submissions (4):

CeGaT Center for Human Genetics Tuebingen
Classification: Likely benign. Last evaluated: 2026-01-01. Review status: criteria provided, single submitter. Criteria: CeGaT Center For Human Genetics Tuebingen Variant Classification Criteria Version 2. Collection method: clinical testing. Allele origin: germline. Affected: yes. Observed: 2 variant alleles.
Comment: KPTN: BP4, BP7

Labcorp Genetics (formerly Invitae), Labcorp
Classification: Likely benign for Macrocephaly-developmental delay syndrome. Last evaluated: 2025-10-14. Review status: criteria provided, single submitter. Criteria: Invitae Variant Classification Sherloc (09022015). Collection method: clinical testing. Allele origin: germline.

Blueprint Genetics
Classification: Likely benign. Last evaluated: 2024-10-09. Review status: criteria provided, single submitter. Criteria: ACMG Guidelines, 2015. Collection method: clinical testing. Allele origin: germline.

Genetic Services Laboratory, University of Chicago
Classification: Likely benign. Last evaluated: 2016-12-09. Review status: criteria provided, single submitter. Criteria: ACMG Guidelines, 2015. Collection method: clinical testing. Allele origin: germline. Affected: no.